The following is an entry in ClinVar:

NM_001369.3(DNAH5):c.12379C>T (p.Arg4127Cys)

Gene: DNAH5 (dynein axonemal heavy chain 5; minus strand). Cytogenetic location: 5p15.2.
Variant type: single nucleotide variant.
Coding change: c.12379C>T on transcript NM_001369.3 (MANE Select); coding-DNA position 12379, C replaced by T.
Protein change: p.Arg4127Cys; replaces arginine 4127 with cysteine.
Molecular consequence: missense variant.
Genome position (GRCh38, 1-based): chr5:13,719,002, G>A on the plus strand (C>T on the coding strand, the complement: DNAH5 is on the minus strand). VCF-style: chr5-13719002-G-A. GRCh37 (hg19) VCF-style: chr5-13719111-G-A.
Other names: short protein forms R4127C.
Identifiers: ClinVar variation 219652 (VCV000219652.9), dbSNP rs148696723, ClinGen allele CA350190.

ClinVar aggregate classification (germline): Conflicting classifications of pathogenicity. Review status: criteria provided, conflicting classifications (1 of 4 stars). 4 submissions from 4 submitters: Uncertain significance (1); Likely benign (1). 2 of the submissions do not count toward it. Last evaluated 2025-12-03.

Conditions:
Primary ciliary dyskinesia. Also called: Ciliary dyskinesia. Identifiers: Orphanet 244, MedGen C0008780, MONDO:0016575, HP:0012265.
Primary ciliary dyskinesia 3. Identifiers: Orphanet 244, MedGen C1837618, MONDO:0012085, OMIM 608644.

Allele frequency attached by ClinVar (database versions not stated): TOPMed 0.00012; 1000 Genomes Project 30x 0.00031; ESP Exome Variant Server 0.00031; 1000 Genomes Project 0.00060.
gnomAD v4.1: 134 of 1,613,702 alleles (0.0083%); highest among the groups gnomAD compares: Admixed American, 0.022%; no homozygotes.

Submissions (4):

Labcorp Genetics (formerly Invitae), Labcorp
Classification: Likely benign for Primary ciliary dyskinesia. Last evaluated: 2025-12-03. Review status: criteria provided, single submitter. Criteria: Invitae Variant Classification Sherloc (09022015). Collection method: clinical testing. Allele origin: germline.

Ambry Genetics
Classification: Uncertain significance for Primary ciliary dyskinesia. Last evaluated: 2020-03-09. Review status: criteria provided, single submitter. Criteria: Ambry Variant Classification Scheme 2023. Collection method: clinical testing. Allele origin: germline.
Comment: The p.R4127C variant (also known as c.12379C>T), located in coding exon 72 of the DNAH5 gene, results from a C to T substitution at nucleotide position 12379. The arginine at codon 4127 is replaced by cysteine, an amino acid with highly dissimilar properties. This amino acid position is highly conserved in available vertebrate species. In addition, this alteration is predicted to be deleterious by in silico analysis. Since supporting evidence is limited at this time, the clinical significance of this alteration remains unclear.

Natera, Inc.
Classification: Uncertain significance for Primary ciliary dyskinesia. Last evaluated: 2020-09-16. Review status: no assertion criteria provided. Collection method: clinical testing. Allele origin: germline. Not counted in ClinVar's aggregate classification.

Counsyl
Classification: Uncertain significance for Primary ciliary dyskinesia 3. Last evaluated: 2017-09-26. Review status: no assertion criteria provided. Collection method: clinical testing. Allele origin: unknown. Not counted in ClinVar's aggregate classification.

Literature cited by the submitters: PubMed 23477994 (cited by Counsyl).